The following is an entry in ClinVar:

ClinVar aggregate classification (germline): Uncertain significance (1 of 4 stars; one submission).

Conditions:
Hereditary spastic paraplegia 28. Also called: Spastic paraplegia 28, autosomal recessive. Identifiers: Orphanet 101008, MedGen C1836295, MONDO:0012256, OMIM 609340.

gnomAD v4.1: 2 of 1,608,062 alleles (0.00012%); highest among the groups gnomAD compares: Admixed American, 0.0017%; no homozygotes.

Submission:

Labcorp Genetics (formerly Invitae), Labcorp
Classification: Uncertain significance for Hereditary spastic paraplegia 28. Last evaluated: 2022-01-27. Review status: criteria provided, single submitter. Criteria: Invitae Variant Classification Sherloc (09022015). Collection method: clinical testing. Allele origin: germline.
Comment: This variant is not present in population databases (gnomAD no frequency). This sequence change replaces proline, which is neutral and non-polar, with alanine, which is neutral and non-polar, at codon 63 of the DDHD1 protein (p.Pro63Ala). This variant has not been reported in the literature in individuals affected with DDHD1-related conditions. In summary, the available evidence is currently insufficient to determine the role of this variant in disease. Therefore, it has been classified as a Variant of Uncertain Significance. Algorithms developed to predict the effect of missense changes on protein structure and function are either unavailable or do not agree on the potential impact of this missense change (SIFT: "Deleterious"; PolyPhen-2: "Benign"; Align-GVGD: "Class C0").

NM_001160148.2(DDHD1):c.187C>G (p.Pro63Ala)

Gene: DDHD1 (DDHD domain containing 1; minus strand). Cytogenetic location: 14q22.1.
Variant type: single nucleotide variant.
Coding change: c.187C>G on transcript NM_001160148.2 (MANE Select); coding-DNA position 187, C replaced by G.
Protein change: p.Pro63Ala; replaces proline 63 with alanine.
Molecular consequence: missense variant.
Genome position (GRCh38, 1-based): chr14:53,152,912, G>C on the plus strand (C>G on the coding strand, the complement: DDHD1 is on the minus strand). VCF-style: chr14-53152912-G-C. GRCh37 (hg19) VCF-style: chr14-53619630-G-C.
Other names: c.187C>G, p.Pro63Ala (NM_001160147.2, NM_030637.3); short protein forms P63A.
Identifiers: ClinVar variation 2148902 (VCV002148902.4), dbSNP rs751194687, ClinGen allele CA389781483.